The following is an entry in ClinVar:

NM_006231.4(POLE):c.4204G>A (p.Val1402Met)

Gene: POLE (DNA polymerase epsilon, catalytic subunit; minus strand). Cytogenetic location: 12q24.33.
Variant type: single nucleotide variant.
Coding change: c.4204G>A on transcript NM_006231.4 (MANE Select); coding-DNA position 4204, G replaced by A.
Protein change: p.Val1402Met; replaces valine 1402 with methionine.
Molecular consequence: missense variant.
Genome position (GRCh38, 1-based): chr12:132,643,923, C>T on the plus strand (G>A on the coding strand, the complement: POLE is on the minus strand). VCF-style: chr12-132643923-C-T. GRCh37 (hg19) VCF-style: chr12-133220509-C-T.
Other names: c.4204G>A (NM_006231.2); short protein forms V1402M.
Identifiers: ClinVar variation 1056862 (VCV001056862.10), dbSNP rs767191767, ClinGen allele CA6892944.

ClinVar aggregate classification (germline): Uncertain significance. Review status: criteria provided, multiple submitters, no conflicts (2 of 4 stars). 3 submissions from 3 submitters: Uncertain significance (3). Last evaluated 2025-11-09.

Conditions:
Hereditary cancer-predisposing syndrome. Also called: Hereditary Cancer Syndrome; Tumor predisposition; Hereditary neoplastic syndrome; Neoplastic Syndromes, Hereditary. Identifiers: Orphanet 140162, MedGen C0027672, MeSH D009386, MONDO:0015356.

Allele frequency attached by ClinVar (database versions not stated): ExAC 0.00001.
gnomAD v4.1: 2 of 1,614,160 alleles (0.00012%); highest among the groups gnomAD compares: East Asian, 0.0022%; no homozygotes.

Submissions (3):

Ambry Genetics
Classification: Uncertain significance for Hereditary cancer-predisposing syndrome. Last evaluated: 2025-11-09. Review status: criteria provided, single submitter. Criteria: Ambry Variant Classification Scheme 2023. Collection method: clinical testing. Allele origin: germline.
Comment: The p.V1402M variant (also known as c.4204G>A), located in coding exon 33 of the POLE gene, results from a G to A substitution at nucleotide position 4204. The valine at codon 1402 is replaced by methionine, an amino acid with highly similar properties. This amino acid position is conserved. In addition, this alteration is predicted to be tolerated by in silico analysis. Based on the available evidence, the clinical significance of this variant remains unclear.

Labcorp Genetics (formerly Invitae), Labcorp
Classification: Uncertain significance. Last evaluated: 2022-11-09. Review status: criteria provided, single submitter. Criteria: Invitae Variant Classification Sherloc (09022015). Collection method: clinical testing. Allele origin: germline.
Comment: Advanced modeling of protein sequence and biophysical properties (such as structural, functional, and spatial information, amino acid conservation, physicochemical variation, residue mobility, and thermodynamic stability) performed at Invitae indicates that this missense variant is not expected to disrupt POLE protein function. In summary, the available evidence is currently insufficient to determine the role of this variant in disease. Therefore, it has been classified as a Variant of Uncertain Significance. This sequence change replaces valine, which is neutral and non-polar, with methionine, which is neutral and non-polar, at codon 1402 of the POLE protein (p.Val1402Met). This variant is present in population databases (rs767191767, gnomAD 0.0009%). This variant has not been reported in the literature in individuals affected with POLE-related conditions. ClinVar contains an entry for this variant (Variation ID: 1056862).

Mendelics
Classification: Uncertain significance. Last evaluated: 2022-05-04. Review status: criteria provided, single submitter. Criteria: Mendelics Assertion Criteria 2019. Collection method: clinical testing. Allele origin: germline.